The following is an entry in ClinVar:

ClinVar aggregate classification (germline): Uncertain significance (1 of 4 stars; one submission).

Submission:

Labcorp Genetics (formerly Invitae), Labcorp
Classification: Uncertain significance. Last evaluated: 2025-10-15. Review status: criteria provided, single submitter. Criteria: Invitae Variant Classification Sherloc (09022015). Collection method: clinical testing. Allele origin: germline.
Comment: This sequence change replaces serine, which is neutral and polar, with tyrosine, which is neutral and polar, at codon 763 of the DIP2C protein (p.Ser763Tyr). Information on the frequency of this variant in the gnomAD database is not available, as this variant may be reported differently in the database. This variant has not been reported in the literature in individuals affected with DIP2C-related conditions. An algorithm developed to predict the effect of missense changes on protein structure and function (PolyPhen-2) suggests that this variant is likely to be tolerated. In summary, the available evidence is currently insufficient to determine the role of this variant in disease. Therefore, it has been classified as a Variant of Uncertain Significance.

NM_014974.3(DIP2C):c.2288_2289delinsAT (p.Ser763Tyr)

Genes: DIP2C (DIP2 acetate--CoA ligase C (putative); minus strand), LOC126860806 (MED14-independent group 3 enhancer GRCh37_chr10:409736-410935; plus strand). Cytogenetic location: 10p15.3.
Variant type: Indel.
Coding change: c.2288_2289delinsAT on transcript NM_014974.3 (MANE Select); coding-DNA positions 2288 to 2289, CC replaced by AT.
Protein change: p.Ser763Tyr; replaces serine 763 with tyrosine.
Molecular consequence: missense variant.
Genome position (GRCh38, 1-based): chr10:364,562-364,563, GG replaced by AT on the plus strand (CC replaced by AT on the coding strand, the reverse complement: DIP2C is on the minus strand). VCF-style: chr10-364562-GG-AT. GRCh37 (hg19) VCF-style: chr10-410502-GG-AT.
Other names: short protein forms S763Y.
Identifiers: ClinVar variation 4717809 (VCV004717809.1).